The following is an entry in ClinVar:

ClinVar aggregate classification (germline): Benign. Review status: criteria provided, multiple submitters, no conflicts (2 of 4 stars). 2 submissions from 2 submitters: Benign (2). Last evaluated 2018-01-13.

Conditions:
Posterior polymorphous corneal dystrophy. Also called: CORNEAL DYSTROPHY, HEREDITARY POLYMORPHOUS POSTERIOR; Polymorphous corneal dystrophy. Identifiers: Orphanet 98973, MedGen C0339284, MONDO:0020364, HP:0007915.

Allele frequency attached by ClinVar (database versions not stated): gnomAD exomes 0.00077 and 0.00044; 1000 Genomes Project 0.00539; TOPMed 0.00417; 1000 Genomes Project 30x 0.00562; ExAC 0.00022; gnomAD 0.00385 and 0.00408.

Submissions (2):

Illumina Laboratory Services, Illumina
Classification: Benign for Polymorphous corneal dystrophy. Last evaluated: 2018-01-13. Review status: criteria provided, single submitter. Criteria: ICSL Variant Classification Criteria 13 December 2019. Collection method: clinical testing. Allele origin: germline.
Comment: This variant was observed in the ICSL laboratory as part of a predisposition screen in an ostensibly healthy population. It had not been previously curated by ICSL or reported in the Human Gene Mutation Database (HGMD: prior to June 1st, 2018), and was therefore a candidate for classification through an automated scoring system. Utilizing variant allele frequency, disease prevalence and penetrance estimates, and inheritance mode, an automated score was calculated to assess if this variant is too frequent to cause the disease. Based on the score and internal cut-off values, a variant classified as benign is not then subjected to further curation. The score for this variant resulted in a classification of benign for this disease.

Breakthrough Genomics
Classification: Benign. Review status: criteria provided, single submitter. Criteria: ACMG Guidelines, 2015. Collection method: not provided. Allele origin: germline. Inheritance: Autosomal dominant inheritance. Affected: yes.

NM_014588.5(VSX1):c.-197G>A

Gene: VSX1 (visual system homeobox 1; minus strand). Cytogenetic location: 20p11.21.
Variant type: single nucleotide variant.
Coding change: c.-197G>A on transcript NM_014588.5; 197 bases upstream of the start codon, G replaced by A.
Genome position (GRCh38, 1-based): chr20:25,082,293, C>T on the plus strand (G>A on the coding strand, the complement: VSX1 is on the minus strand). VCF-style: chr20-25082293-C-T. GRCh37 (hg19) VCF-style: chr20-25062929-C-T.
Identifiers: ClinVar variation 337974 (VCV000337974.8), dbSNP rs116022495, ClinGen allele CA9793736.
Genomic context (GRCh38, chr20:25,082,293, plus strand): 5'-GTCGCCGTTCCGGACCCCGCGAGATGGGGACGCCACCAGTTCCCCTCCCCTCGGTTACCG[C>T]CCACCCAGCTGCAGTCCCCTCAGTCACCTCCTTCTCCTCCTCTCTTCTGTCCAGCCCACC-3'